The following is an entry in ClinVar:

ClinVar aggregate classification (germline): Uncertain significance (1 of 4 stars; one submission).

Conditions:
Charcot-Marie-Tooth disease axonal type 2V. Also called: CHARCOT-MARIE-TOOTH NEUROPATHY, TYPE 2V; CHARCOT-MARIE-TOOTH DISEASE, AXONAL, AUTOSOMAL DOMINANT, TYPE 2V. Identifiers: Orphanet 447964, MedGen C5569050, MONDO:0014665, OMIM 616491.
Mucopolysaccharidosis, MPS-III-B (MPS3B). Also called: MPS IIIB (Sanfilippo Syndrome Type B); N-ACETYL-ALPHA-D-GLUCOSAMINIDASE DEFICIENCY; NAGLU DEFICIENCY; MUCOPOLYSACCHARIDOSIS, TYPE IIIB; Mucopolysaccharidosis type IIIB (Sanfilippo B); SANFILIPPO SYNDROME B. Identifiers: Orphanet 79270, MedGen C0086648, MONDO:0009656, OMIM 252920.

Allele frequency attached by ClinVar (database versions not stated): gnomAD exomes below 0.00001 and 0.00001; gnomAD 0.00002 and 0.00003; TOPMed 0.00002; ESP Exome Variant Server 0.00008.
gnomAD v4.1: 19 of 1,613,702 alleles (0.0012%); highest among the groups gnomAD compares: Non-Finnish European, 0.0016%; no homozygotes.

Submission:

Labcorp Genetics (formerly Invitae), Labcorp
Classification: Uncertain significance for Charcot-Marie-Tooth disease axonal type 2V; Mucopolysaccharidosis, MPS-III-B. Last evaluated: 2021-11-22. Review status: criteria provided, single submitter. Criteria: Invitae Variant Classification Sherloc (09022015). Collection method: clinical testing. Allele origin: germline.
Comment: This sequence change replaces alanine, which is neutral and non-polar, with threonine, which is neutral and polar, at codon 429 of the NAGLU protein (p.Ala429Thr). This variant is present in population databases (rs372165410, gnomAD 0.002%). This variant has not been reported in the literature in individuals affected with NAGLU-related conditions. Advanced modeling of protein sequence and biophysical properties (such as structural, functional, and spatial information, amino acid conservation, physicochemical variation, residue mobility, and thermodynamic stability) performed at Invitae indicates that this missense variant is not expected to disrupt NAGLU protein function. In summary, the available evidence is currently insufficient to determine the role of this variant in disease. Therefore, it has been classified as a Variant of Uncertain Significance.

NM_000263.4(NAGLU):c.1285G>A (p.Ala429Thr)

Gene: NAGLU (N-acetyl-alpha-glucosaminidase; plus strand). Cytogenetic location: 17q21.2.
Variant type: single nucleotide variant.
Coding change: c.1285G>A on transcript NM_000263.4 (MANE Select); coding-DNA position 1285, G replaced by A.
Protein change: p.Ala429Thr; replaces alanine 429 with threonine.
Molecular consequence: missense variant.
Genome position (GRCh38, 1-based): chr17:42,543,291, G>A. VCF-style: chr17-42543291-G-A. GRCh37 (hg19) VCF-style: chr17-40695309-G-A.
Other names: short protein forms A429T.
Identifiers: ClinVar variation 1375740 (VCV001375740.3), dbSNP rs372165410, ClinGen allele CA290780295.